The following is an entry in ClinVar:

ClinVar aggregate classification (germline): Likely benign (1 of 4 stars; one submission).

Conditions:
APC-related disorder. Also called: APC-related condition.

Submission:

PreventionGenetics, part of Exact Sciences
Classification: Likely benign for APC-related condition. Last evaluated: 2026-06-30. Review status: criteria provided, single submitter. Criteria: ACMG Guidelines, 2015. Collection method: clinical testing. Allele origin: germline.
Comment: This variant is classified as likely benign based on ACMG/AMP sequence variant interpretation guidelines (Richards et al. 2015 PMID: 25741868, with internal and published modifications).

NM_000038.6(APC):c.6423A>T (p.Gly2141=)

Gene: APC (APC regulator of Wnt signaling pathway; plus strand). Cytogenetic location: 5q22.2.
Variant type: single nucleotide variant.
Coding change: c.6423A>T on transcript NM_000038.6 (MANE Select); coding-DNA position 6423, A replaced by T.
Protein change: p.Gly2141=; no amino-acid change (glycine 2141 retained).
Molecular consequence: synonymous variant. On other transcripts: non-coding transcript variant (2).
Genome position (GRCh38, 1-based): chr5:112,842,017, A>T. VCF-style: chr5-112842017-A-T. GRCh37 (hg19) VCF-style: chr5-112177714-A-T.
Other names: c.6423A>T, p.Gly2141= (NM_001127510.3, NM_001354895.2, NM_001407450.1); c.6369A>T, p.Gly2123= (NM_001127511.3); c.6477A>T, p.Gly2159= (NM_001354896.2, NM_001407447.1, NM_001407448.1 and 1 more transcripts); c.6453A>T, p.Gly2151= (NM_001354897.2); c.6348A>T, p.Gly2116= (NM_001354898.2); c.6339A>T, p.Gly2113= (NM_001354899.2); c.6300A>T, p.Gly2100= (NM_001354900.2); c.6246A>T, p.Gly2082= (NM_001354901.2, NM_001407453.1); and 11 more.
Identifiers: ClinVar variation 4985798 (VCV004985798.1).